The following is an entry in ClinVar:

NM_019885.4(CYP26B1):c.628C>G (p.Leu210Val)

Gene: CYP26B1 (cytochrome P450 family 26 subfamily B member 1; minus strand). Cytogenetic location: 2p13.2.
Variant type: single nucleotide variant.
Coding change: c.628C>G on transcript NM_019885.4 (MANE Select); coding-DNA position 628, C replaced by G.
Protein change: p.Leu210Val; replaces leucine 210 with valine.
Molecular consequence: missense variant.
Genome position (GRCh38, 1-based): chr2:72,135,221, G>C on the plus strand (C>G on the coding strand, the complement: CYP26B1 is on the minus strand). VCF-style: chr2-72135221-G-C. GRCh37 (hg19) VCF-style: chr2-72362350-G-C.
Other names: c.403C>G, p.Leu135Val (NM_001277742.2); short protein forms L135V, L210V.
Identifiers: ClinVar variation 1700309 (VCV001700309.2), dbSNP rs1441876570, ClinGen allele CA347225677.

ClinVar aggregate classification (germline): Uncertain significance (1 of 4 stars; one submission).

Submission:

GeneDx
Classification: Uncertain significance. Last evaluated: 2022-02-04. Review status: criteria provided, single submitter. Criteria: GeneDx Variant Classification Process June 2021. Collection method: clinical testing. Allele origin: germline. Affected: yes.
Comment: Not observed at significant frequency in large population cohorts (gnomAD); In silico analysis supports that this missense variant has a deleterious effect on protein structure/function; Has not been previously published as pathogenic or benign to our knowledge